The following is an entry in ClinVar:

NM_004360.5(CDH1):c.1578G>C (p.Trp526Cys)

Gene: CDH1 (cadherin 1; plus strand). Cytogenetic location: 16q22.1.
Variant type: single nucleotide variant.
Coding change: c.1578G>C on transcript NM_004360.5 (MANE Select); coding-DNA position 1578, G replaced by C.
Protein change: p.Trp526Cys; replaces tryptophan 526 with cysteine.
Molecular consequence: missense variant. On other transcripts: intron variant (1).
Genome position (GRCh38, 1-based): chr16:68,819,292, G>C. VCF-style: chr16-68819292-G-C. GRCh37 (hg19) VCF-style: chr16-68853195-G-C.
Other names: c.1578G>C (LRG_301t1, NM_004360.4); c.1395G>C, p.Trp465Cys (NM_001317184.2); c.30G>C, p.Trp10Cys (NM_001317185.2); c.-254-2709G>C (NM_001317186.2); short protein forms W526C, W10C, W465C.
Identifiers: ClinVar variation 565418 (VCV000565418.10), dbSNP rs886039590, ClinGen allele CA396464855.

ClinVar aggregate classification (germline): Uncertain significance. Review status: criteria provided, multiple submitters, no conflicts (2 of 4 stars). 2 submissions from 2 submitters: Uncertain significance (2). Last evaluated 2023-10-31.

Conditions:
Hereditary diffuse gastric adenocarcinoma (HDGC). Also called: DIFFUSE GASTRIC AND LOBULAR BREAST CANCER SYNDROME. Identifiers: Orphanet 26106, MedGen C1708349, MONDO:0007648, OMIM 137215.

Submissions (2):

Quest Diagnostics Nichols Institute San Juan Capistrano
Classification: Uncertain significance. Last evaluated: 2023-10-31. Review status: criteria provided, single submitter. Criteria: Quest Diagnostics criteria. Collection method: clinical testing. Allele origin: unknown.
Comment: The CDH1 c.1578G>C (p.Trp526Cys) variant has not been reported in individuals with CDH1-related conditions in the published literature. It also has not been reported in large, multi-ethnic general populations (Genome Aggregation Database). Analysis of this variant using bioinformatics tools for the prediction of the effect of amino acid changes on protein structure and function yielded conflicting predictions that this variant is benign or damaging. Based on the available information, we are unable to determine the clinical significance of this variant.

Labcorp Genetics (formerly Invitae), Labcorp
Classification: Uncertain significance for Hereditary diffuse gastric adenocarcinoma. Last evaluated: 2018-02-22. Review status: criteria provided, single submitter. Criteria: Invitae Variant Classification Sherloc (09022015). Collection method: clinical testing. Allele origin: germline.
Comment: In summary, the available evidence is currently insufficient to determine the role of this variant in disease. Therefore, it has been classified as a Variant of Uncertain Significance. Algorithms developed to predict the effect of missense changes on protein structure and function do not agree on the potential impact of this missense change (SIFT: "Tolerated"; PolyPhen-2: "Possibly Damaging"; Align-GVGD: "Class C15"). This variant has not been reported in the literature in individuals with CDH1-related disease. This variant is not present in population databases (ExAC no frequency). This sequence change replaces tryptophan with cysteine at codon 526 of the CDH1 protein (p.Trp526Cys). The tryptophan residue is moderately conserved and there is a large physicochemical difference between tryptophan and cysteine.